The following is an entry in ClinVar:

NM_003242.6(TGFBR2):c.838C>G (p.Pro280Ala)

Gene: TGFBR2 (transforming growth factor beta receptor 2; plus strand). Cytogenetic location: 3p24.1.
Variant type: single nucleotide variant.
Coding change: c.838C>G on transcript NM_003242.6 (MANE Select); coding-DNA position 838, C replaced by G.
Protein change: p.Pro280Ala; replaces proline 280 with alanine.
Molecular consequence: missense variant. On other transcripts: intron variant (1).
Genome position (GRCh38, 1-based): chr3:30,672,021, C>G. VCF-style: chr3-30672021-C-G. GRCh37 (hg19) VCF-style: chr3-30713513-C-G.
Other names: c.913C>G, p.Pro305Ala (NM_001024847.3); c.1021C>G, p.Pro341Ala (NM_001407126.1); c.946C>G, p.Pro316Ala (NM_001407127.1); c.865C>G, p.Pro289Ala (NM_001407128.1); c.841C>G, p.Pro281Ala (NM_001407129.1); c.838C>G, p.Pro280Ala (NM_001407130.1); c.733C>G, p.Pro245Ala (NM_001407132.1, NM_001407133.1, NM_001407134.1 and 2 more transcripts); c.553C>G, p.Pro185Ala (NM_001407137.1); and 2 more; short protein forms P245A, P280A, P341A, P185A, P316A, P160A, P281A, P289A.
Identifiers: ClinVar variation 3014867 (VCV003014867.3), dbSNP rs2125434599, ClinGen allele CA351807980.

ClinVar aggregate classification (germline): Uncertain significance (1 of 4 stars; one submission).

Conditions:
Familial thoracic aortic aneurysm and aortic dissection (TAAD). Also called: Thoracic aortic aneurysms and dissections. Identifiers: Orphanet 91387, MedGen C4707243, MONDO:0019625.

Submission:

Labcorp Genetics (formerly Invitae), Labcorp
Classification: Uncertain significance for Familial thoracic aortic aneurysm and aortic dissection. Last evaluated: 2023-06-09. Review status: criteria provided, single submitter. Criteria: Invitae Variant Classification Sherloc (09022015). Collection method: clinical testing. Allele origin: germline.
Comment: Advanced modeling of protein sequence and biophysical properties (such as structural, functional, and spatial information, amino acid conservation, physicochemical variation, residue mobility, and thermodynamic stability) has been performed at Invitae for this missense variant, however the output from this modeling did not meet the statistical confidence thresholds required to predict the impact of this variant on TGFBR2 protein function. In summary, the available evidence is currently insufficient to determine the role of this variant in disease. Therefore, it has been classified as a Variant of Uncertain Significance. This variant has not been reported in the literature in individuals affected with TGFBR2-related conditions. This variant is not present in population databases (gnomAD no frequency). This sequence change replaces proline, which is neutral and non-polar, with alanine, which is neutral and non-polar, at codon 280 of the TGFBR2 protein (p.Pro280Ala).